The following is an entry in ClinVar:

ClinVar aggregate classification (germline): Likely benign. Review status: criteria provided, multiple submitters, no conflicts (2 of 4 stars). 4 submissions from 4 submitters: Likely benign (4). Last evaluated 2025-09-01.

Conditions:
Long QT syndrome (LQTS). Identifiers: MedGen C0023976, MeSH D008133, MONDO:0002442. Disease mechanism: loss of function. Inheritance: Various modes of inheritance.
Cardiovascular phenotype. Identifiers: MedGen CN230736.

Allele frequency attached by ClinVar (database versions not stated): TOPMed below 0.00001; gnomAD 0.00001; gnomAD exomes 0.00001 and 0.00003; ExAC 0.00002.
gnomAD v4.1: 13 of 1,613,798 alleles (0.00081%); highest among the groups gnomAD compares: Admixed American, 0.01%; no homozygotes.

Submissions (4):

CeGaT Center for Human Genetics Tuebingen
Classification: Likely benign. Last evaluated: 2025-09-01. Review status: criteria provided, single submitter. Criteria: CeGaT Center For Human Genetics Tuebingen Variant Classification Criteria Version 2. Collection method: clinical testing. Allele origin: germline. Affected: yes. Observed: 1 variant allele.
Comment: ANK2: BP4

Ambry Genetics
Classification: Likely benign for Cardiovascular phenotype. Last evaluated: 2025-08-12. Review status: criteria provided, single submitter. Criteria: Ambry Variant Classification Scheme 2023. Collection method: clinical testing. Allele origin: germline.

Molecular Diagnostic Laboratory for Inherited Cardiovascular Disease, Montreal Heart Institute
Classification: Likely benign. Last evaluated: 2025-04-09. Review status: criteria provided, single submitter. Criteria: ACMG Guidelines, 2015. Collection method: clinical testing. Allele origin: germline. Affected: no.

Labcorp Genetics (formerly Invitae), Labcorp
Classification: Likely benign for Long QT syndrome. Last evaluated: 2023-09-21. Review status: criteria provided, single submitter. Criteria: Invitae Variant Classification Sherloc (09022015). Collection method: clinical testing. Allele origin: germline.

NM_001148.6(ANK2):c.10924C>A (p.Arg3642=)

Gene: ANK2 (ankyrin 2; plus strand). Cytogenetic location: 4q26.
Variant type: single nucleotide variant.
Coding change: c.10924C>A on transcript NM_001148.6 (MANE Select); coding-DNA position 10924, C replaced by A.
Protein change: p.Arg3642=; no amino-acid change (arginine 3642 retained).
Molecular consequence: synonymous variant.
Genome position (GRCh38, 1-based): chr4:113,365,074, C>A. VCF-style: chr4-113365074-C-A. GRCh37 (hg19) VCF-style: chr4-114286230-C-A.
Other names: c.4642C>A, p.Arg1548= (NM_001127493.3); c.4681C>A, p.Arg1561= (NM_001354225.2); c.4570C>A, p.Arg1524= (NM_001354228.2, NM_001354258.2); c.4648C>A, p.Arg1550= (NM_001354230.2); c.4711C>A, p.Arg1571= (NM_001354231.2, NM_001354242.2); c.4705C>A, p.Arg1569= (NM_001354232.2); c.4666C>A, p.Arg1556= (NM_001354235.2, NM_001354246.2, NM_001354265.2); c.4567C>A, p.Arg1523= (NM_001354236.2); and 36 more.
Identifiers: ClinVar variation 1084897 (VCV001084897.16), dbSNP rs757033443, ClinGen allele CA3052166.